The following is an entry in ClinVar:

NM_201253.3(CRB1):c.3250G>A (p.Asp1084Asn)

Gene: CRB1 (crumbs cell polarity complex component 1; plus strand). Cytogenetic location: 1q31.3.
Variant type: single nucleotide variant.
Coding change: c.3250G>A on transcript NM_201253.3 (MANE Select); coding-DNA position 3250, G replaced by A.
Protein change: p.Asp1084Asn; replaces aspartic acid 1084 with asparagine.
Molecular consequence: missense variant. On other transcripts: non-coding transcript variant (2), intron variant (1).
Genome position (GRCh38, 1-based): chr1:197,435,113, G>A. VCF-style: chr1-197435113-G-A. GRCh37 (hg19) VCF-style: chr1-197404243-G-A.
Other names: c.2914G>A, p.Asp972Asn (NM_001193640.2); c.3178G>A, p.Asp1060Asn (NM_001257965.2); c.2129-487G>A (NM_001257966.2); short protein forms D1060N, D1084N, D972N.
Identifiers: ClinVar variation 1055221 (VCV001055221.3), dbSNP rs769059111, ClinGen allele CA1312302.

ClinVar aggregate classification (germline): Uncertain significance. Review status: criteria provided, single submitter (1 of 4 stars). 2 submissions from 2 submitters: Uncertain significance (1). 1 of the submissions does not count toward it. Last evaluated 2021-08-30.

Conditions:
Retinitis pigmentosa 12 (RP12). Also called: RP WITH OR WITHOUT PPRPE; RP WITH OR WITHOUT PRESERVED PARAARTERIOLE RETINAL PIGMENT EPITHELIUM; RETINITIS PIGMENTOSA WITH OR WITHOUT PARAARTERIOLAR PRESERVATION OF RETINAL PIGMENT EPITHELIUM. Identifiers: Orphanet 791, MedGen C1838647, MONDO:0010818, OMIM 600105.
Leber congenital amaurosis 8 (LCA8). Identifiers: Orphanet 65, MedGen C3151202, MONDO:0013453, OMIM 613835.
Leber congenital amaurosis (LCA). Also called: Leber's amaurosis. Identifiers: Orphanet 65, MedGen C0339527, MeSH D057130, MONDO:0018998.

Allele frequency attached by ClinVar (database versions not stated): gnomAD 0.00001; gnomAD exomes 0.00001 and 0.00002; ExAC 0.00002; TOPMed 0.00002.
gnomAD v4.1: 9 of 1,613,788 alleles (0.00056%); highest among the groups gnomAD compares: Admixed American, 0.015%; no homozygotes.

Submissions (2):

Labcorp Genetics (formerly Invitae), Labcorp
Classification: Uncertain significance for Leber congenital amaurosis 8; Retinitis pigmentosa 12. Last evaluated: 2021-08-30. Review status: criteria provided, single submitter. Criteria: Invitae Variant Classification Sherloc (09022015). Collection method: clinical testing. Allele origin: germline.
Comment: This sequence change replaces aspartic acid with asparagine at codon 1084 of the CRB1 protein (p.Asp1084Asn). The aspartic acid residue is highly conserved and there is a small physicochemical difference between aspartic acid and asparagine. This variant is present in population databases (rs769059111, ExAC 0.03%). This variant has not been reported in the literature in individuals affected with CRB1-related conditions. Algorithms developed to predict the effect of missense changes on protein structure and function output the following: SIFT: "Tolerated"; PolyPhen-2: "Benign"; Align-GVGD: "Class C0". The asparagine amino acid residue is found in multiple mammalian species, which suggests that this missense change does not adversely affect protein function. In summary, the available evidence is currently insufficient to determine the role of this variant in disease. Therefore, it has been classified as a Variant of Uncertain Significance.

Natera, Inc.
Classification: Uncertain significance for Leber congenital amaurosis. Last evaluated: 2021-07-12. Review status: no assertion criteria provided. Collection method: clinical testing. Allele origin: germline. Not counted in ClinVar's aggregate classification.